The following is an entry in ClinVar:

ClinVar aggregate classification (germline): Uncertain significance (1 of 4 stars; one submission).

Conditions:
Hereditary cancer-predisposing syndrome. Also called: Neoplastic Syndromes, Hereditary; Tumor predisposition; Hereditary neoplastic syndrome; Hereditary Cancer Syndrome. Identifiers: Orphanet 140162, MedGen C0027672, MeSH D009386, MONDO:0015356.

Submission:

Ambry Genetics
Classification: Uncertain significance for Hereditary cancer-predisposing syndrome. Last evaluated: 2024-05-26. Review status: criteria provided, single submitter. Criteria: Ambry Variant Classification Scheme 2023. Collection method: clinical testing. Allele origin: germline.
Comment: The p.P183L variant (also known as c.548C>T), located in coding exon 5 of the SMARCB1 gene, results from a C to T substitution at nucleotide position 548. The proline at codon 183 is replaced by leucine, an amino acid with similar properties. This amino acid position is well conserved in available vertebrate species. In addition, this alteration is predicted to be tolerated by in silico analysis. Based on the available evidence, the clinical significance of this variant remains unclear.

NM_003073.5(SMARCB1):c.548C>T (p.Pro183Leu)

Gene: SMARCB1 (SWI/SNF related BAF chromatin remodeling complex subunit B1; plus strand). Cytogenetic location: 22q11.23.
Variant type: single nucleotide variant.
Coding change: c.548C>T on transcript NM_003073.5 (MANE Select); coding-DNA position 548, C replaced by T.
Protein change: p.Pro183Leu; replaces proline 183 with leucine.
Molecular consequence: missense variant.
Genome position (GRCh38, 1-based): chr22:23,803,342, C>T. VCF-style: chr22-23803342-C-T. GRCh37 (hg19) VCF-style: chr22-24145529-C-T.
Other names: c.521C>T, p.Pro174Leu (NM_001007468.3); c.575C>T, p.Pro192Leu (NM_001317946.2); c.602C>T, p.Pro201Leu (NM_001362877.2); short protein forms P183L, P174L, P201L, P192L.
Identifiers: ClinVar variation 3320814 (VCV003320814.1), dbSNP rs138515783.